The following is an entry in ClinVar:

NM_000535.7(PMS2):c.2207A>T (p.Glu736Val)

Gene: PMS2 (PMS1 homolog 2, mismatch repair system component; minus strand). Cytogenetic location: 7p22.1.
Variant type: single nucleotide variant.
Coding change: c.2207A>T on transcript NM_000535.7 (MANE Select); coding-DNA position 2207, A replaced by T.
Protein change: p.Glu736Val; replaces glutamic acid 736 with valine.
Molecular consequence: missense variant. On other transcripts: non-coding transcript variant (1).
Genome position (GRCh38, 1-based): chr7:5,978,664, T>A on the plus strand (A>T on the coding strand, the complement: PMS2 is on the minus strand). VCF-style: chr7-5978664-T-A. GRCh37 (hg19) VCF-style: chr7-6018295-T-A.
Other names: c.1802A>T, p.Glu601Val (NM_001322003.2, NM_001322004.2, NM_001322005.2 and 1 more transcripts); c.2051A>T, p.Glu684Val (NM_001322006.2); c.1889A>T, p.Glu630Val (NM_001322007.2, NM_001322008.2); c.1646A>T, p.Glu549Val (NM_001322010.2); c.1274A>T, p.Glu425Val (NM_001322011.2, NM_001322012.2); c.1634A>T, p.Glu545Val (NM_001322013.2); c.2207A>T, p.Glu736Val (NM_001322014.2); c.1898A>T, p.Glu633Val (NM_001322015.2); short protein forms E736V, E633V, E684V, E545V, E549V, E601V, E425V, E630V.
Identifiers: ClinVar variation 411073 (VCV000411073.8), dbSNP rs1060503115, ClinGen allele CA16612209.
Genomic context (GRCh38, chr7:5,978,664, plus strand): 5'-TCGATAACAAAATCAAAGCCATTCTTTCTAAATATTTCCAGATTTTCTATCAGAACAGCT[T>A]CATTAACAGCAGTTAAGTTGAGAGTCTGAGGTCTGAAAAACACAAAAATGATTCAAACCA-3'
Protein context (NP_000526.2, residues 726-746): PQTLNLTAVN[Glu736Val]AVLIENLEIF

ClinVar aggregate classification (germline): Uncertain significance. Review status: criteria provided, multiple submitters, no conflicts (2 of 4 stars). 2 submissions from 2 submitters: Uncertain significance (2). Last evaluated 2025-02-19.

Conditions:
Hereditary nonpolyposis colorectal neoplasms. Identifiers: MedGen C0009405, MeSH D003123.
Hereditary cancer-predisposing syndrome. Also called: Tumor predisposition; Hereditary Cancer Syndrome; Hereditary neoplastic syndrome; Neoplastic Syndromes, Hereditary. Identifiers: Orphanet 140162, MedGen C0027672, MeSH D009386, MONDO:0015356.

gnomAD v4.1: 1 of 1,601,858 alleles (0.000062%); no homozygotes.

Submissions (2):

Color Diagnostics, LLC DBA Color Health
Classification: Uncertain significance for Hereditary cancer-predisposing syndrome. Last evaluated: 2025-02-19. Review status: criteria provided, single submitter. Criteria: ACMG Guidelines, 2015. Collection method: clinical testing. Allele origin: germline.
Comment: This missense variant replaces glutamic acid with valine at codon 736 of the PMS2 protein. Computational prediction suggests that this variant may have deleterious impact on protein structure and function (internally defined REVEL score threshold >= 0.7, PMID: 27666373). To our knowledge, functional studies have not been reported for this variant. This variant has been reported in a Lynch syndrome family who was also described to carry another truncating PMS2 variant on the same allele (PMID: 25430799). This variant has not been identified in the general population by the Genome Aggregation Database (gnomAD). The available evidence is insufficient to determine the role of this variant in disease conclusively. Therefore, this variant is classified as a Variant of Uncertain Significance.

Labcorp Genetics (formerly Invitae), Labcorp
Classification: Uncertain significance for Hereditary nonpolyposis colorectal neoplasms. Last evaluated: 2024-04-10. Review status: criteria provided, single submitter. Criteria: Invitae Variant Classification Sherloc (09022015). Collection method: clinical testing. Allele origin: germline.
Comment: This sequence change replaces glutamic acid, which is acidic and polar, with valine, which is neutral and non-polar, at codon 736 of the PMS2 protein (p.Glu736Val). The frequency data for this variant in the population databases (gnomAD) is considered unreliable due to the presence of homologous sequence, such as pseudogenes or paralogs, in the genome. A variant with the same transcript coordinates as this variant (c.2207A>T) has been reported in the literature in a family affected with Lynch syndrome that also had a pathogenic p.Leu731* variant on the same PMS2 allele (PMID: 25430799). However, the description of the protein effect for this c.2207A>T variant is discordant, making it unclear if this is truly the same variant. ClinVar contains an entry for this variant (Variation ID: 411073). Advanced modeling of protein sequence and biophysical properties (such as structural, functional, and spatial information, amino acid conservation, physicochemical variation, residue mobility, and thermodynamic stability) performed at Invitae indicates that this missense variant is expected to disrupt PMS2 protein function with a positive predictive value of 80%. In summary, the available evidence is currently insufficient to determine the role of this variant in disease. Therefore, it has been classified as a Variant of Uncertain Significance.

Literature cited by the submitters: PubMed 25430799 (cited by Color Diagnostics, LLC DBA Color Health and Labcorp Genetics (formerly Invitae), Labcorp).